The following is an entry in ClinVar:

ClinVar aggregate classification (germline): Likely benign (1 of 4 stars; one submission).

Conditions:
Malignant hyperthermia, susceptibility to, 1 (MHS1). Also called: Anesthesia related hyperthermia; Malignant hyperpyrexia; Fulminating hyperpyrexia; Pharmacogenic myopathy; RYR1-Related Malignant Hyperthermia Susceptibility; Malignant hyperthermia suceptibility 1. Identifiers: Orphanet 423, MedGen C2930980, MONDO:0007783, OMIM 145600.

Submission:

All of Us Research Program, National Institutes of Health
Classification: Likely benign for Malignant hyperthermia, susceptibility to, 1. Last evaluated: 2023-10-02. Review status: criteria provided, single submitter. Criteria: ACMG Guidelines, 2015. Collection method: clinical testing. Allele origin: germline. Inheritance: Autosomal dominant inheritance. Observed: 1 variant allele, 1 heterozygote.
Comment: This study involves interpretation of variants in research participants for the purpose of population health screening. Participant phenotype was not available at the time of variant classification. Additional details can be found in publication PMID: 35346344, PMCID: PMC8962531

NM_000540.3(RYR1):c.7324-3C>T

Gene: RYR1 (ryanodine receptor 1; plus strand). Cytogenetic location: 19q13.2.
Variant type: single nucleotide variant.
Coding change: c.7324-3C>T on transcript NM_000540.3 (MANE Select); 3 bases into the intron before coding-DNA position 7324, C replaced by T.
Molecular consequence: intron variant.
Genome position (GRCh38, 1-based): chr19:38,500,603, C>T. VCF-style: chr19-38500603-C-T. GRCh37 (hg19) VCF-style: chr19-38991243-C-T.
Other names: c.7324-3C>T (NM_001042723.2).
Identifiers: ClinVar variation 3073668 (VCV003073668.1), dbSNP rs2514319409, ClinGen allele CA2825002781.